The following is an entry in ClinVar:

ClinVar aggregate classification (germline): Conflicting classifications of pathogenicity. Review status: criteria provided, conflicting classifications (1 of 4 stars). 6 submissions from 6 submitters: Uncertain significance (4); Likely benign (1). 1 of the submissions does not count toward it. Last evaluated 2024-07-29.

Conditions:
Isolated focal cortical dysplasia type II (FCORD2). Also called: Focal cortical dysplasia type II; CORTICAL DYSPLASIA OF TAYLOR. Identifiers: Orphanet 268994, MedGen C1846385, MONDO:0011818, OMIM 607341, HP:0032051.
Lymphangiomyomatosis (LAM). Also called: Lymphangioleiomyomatosis; Lymphangioleiomyomatosis, somatic. Identifiers: Orphanet 538, MedGen C0751674, MONDO:0011705, OMIM 606690.
Tuberous sclerosis 2 (TSC2). Identifiers: Orphanet 805, MedGen C1860707, MONDO:0013199, OMIM 613254.
Hereditary cancer-predisposing syndrome. Also called: Hereditary neoplastic syndrome; Neoplastic Syndromes, Hereditary; Hereditary Cancer Syndrome; Tumor predisposition. Identifiers: Orphanet 140162, MedGen C0027672, MeSH D009386, MONDO:0015356.
Tuberous sclerosis syndrome (TSC). Also called: Tuberous sclerosis; Tuberous Sclerosis Complex. Identifiers: Orphanet 805, MedGen C0041341, MONDO:0001734.

Allele frequency attached by ClinVar (database versions not stated): gnomAD exomes 0.00003.
gnomAD v4.1: 40 of 1,613,880 alleles (0.0025%); highest among the groups gnomAD compares: Non-Finnish European, 0.0033%; no homozygotes.

Submissions (6):

Labcorp Genetics (formerly Invitae), Labcorp
Classification: Likely benign for Tuberous sclerosis 2. Last evaluated: 2024-07-29. Review status: criteria provided, single submitter. Criteria: Invitae Variant Classification Sherloc (09022015). Collection method: clinical testing. Allele origin: germline.

All of Us Research Program, National Institutes of Health
Classification: Uncertain significance for Tuberous sclerosis syndrome. Last evaluated: 2024-07-20. Review status: criteria provided, single submitter. Criteria: ACMG Guidelines, 2015. Collection method: clinical testing. Allele origin: germline. Inheritance: Autosomal dominant inheritance. Observed: 1 variant allele, 1 heterozygote.
Comment: This missense variant replaces methionine with valine at codon 740 of the TSC2 protein. Computational prediction suggests that this variant may have deleterious impact on protein structure and function (internally defined REVEL score threshold >= 0.7, PMID: 27666373). To our knowledge, functional studies have not been reported for this variant. This variant has not been reported in individuals affected with TSC2-related disorders in the literature. This variant has not been identified in the general population by the Genome Aggregation Database (gnomAD). The available evidence is insufficient to determine the role of this variant in disease conclusively. Therefore, this variant is classified as a Variant of Uncertain Significance.

This study involves interpretation of variants in research participants for the purpose of population health screening. Participant phenotype was not available at the time of variant classification. Additional details can be found in publication PMID: 35346344, PMCID: PMC8962531

Color Diagnostics, LLC DBA Color Health
Classification: Uncertain significance for Tuberous sclerosis syndrome. Last evaluated: 2024-07-10. Review status: criteria provided, single submitter. Criteria: ACMG Guidelines, 2015. Collection method: clinical testing. Allele origin: germline.
Comment: This missense variant replaces methionine with valine at codon 740 of the TSC2 protein. Computational prediction suggests that this variant may have deleterious impact on protein structure and function. To our knowledge, functional studies have not been reported for this variant. This variant has not been reported in individuals affected with TSC2-related disorders in the literature. This variant has not been identified in the general population by the Genome Aggregation Database (gnomAD). The available evidence is insufficient to determine the role of this variant in disease conclusively. Therefore, this variant is classified as a Variant of Uncertain Significance.

Ambry Genetics
Classification: Uncertain significance for Hereditary cancer-predisposing syndrome. Last evaluated: 2024-03-01. Review status: criteria provided, single submitter. Criteria: Ambry Variant Classification Scheme 2023. Collection method: clinical testing. Allele origin: germline.
Comment: The p.M740V variant (also known as c.2218A>G), located in coding exon 19 of the TSC2 gene, results from an A to G substitution at nucleotide position 2218. The methionine at codon 740 is replaced by valine, an amino acid with highly similar properties. This amino acid position is highly conserved in available vertebrate species. In addition, this alteration is predicted to be deleterious by in silico analysis. Since supporting evidence is limited at this time, the clinical significance of this alteration remains unclear.

Fulgent Genetics
Classification: Uncertain significance for Lymphangiomyomatosis; Isolated focal cortical dysplasia type II; Tuberous sclerosis 2. Last evaluated: 2022-01-13. Review status: criteria provided, single submitter. Criteria: ACMG Guidelines, 2015. Collection method: clinical testing. Allele origin: unknown.

Gharavi Laboratory, Columbia University
Classification: Uncertain significance. Last evaluated: 2018-09-16. Review status: no assertion criteria provided. Criteria: ACMG Guidelines, 2015. Collection method: research. Allele origin: germline. Affected: yes. Not counted in ClinVar's aggregate classification.

NM_000548.5(TSC2):c.2218A>G (p.Met740Val)

Gene: TSC2 (TSC complex subunit 2; plus strand). Cytogenetic location: 16p13.3.
Variant type: single nucleotide variant.
Coding change: c.2218A>G on transcript NM_000548.5 (MANE Select); coding-DNA position 2218, A replaced by G.
Protein change: p.Met740Val; replaces methionine 740 with valine.
Molecular consequence: missense variant.
Genome position (GRCh38, 1-based): chr16:2,072,361, A>G. VCF-style: chr16-2072361-A-G. GRCh37 (hg19) VCF-style: chr16-2122362-A-G.
Other names: c.2218A>G, p.Met740Val (NM_001077183.3, NM_001114382.3, NM_001363528.2 and 3 more transcripts); c.2107A>G, p.Met703Val (NM_001318827.2); c.2071A>G, p.Met691Val (NM_001318829.2); c.1618A>G, p.Met540Val (NM_001318831.2); c.2251A>G, p.Met751Val (NM_001318832.2); short protein forms M740V, M540V, M703V, M691V, M751V.
Identifiers: ClinVar variation 570811 (VCV000570811.15), dbSNP rs757345150, ClinGen allele CA276738450.